The following is an entry in ClinVar:

NM_000503.6(EYA1):c.1103A>G (p.Asn368Ser)

Gene: EYA1 (EYA transcriptional coactivator and phosphatase 1; minus strand). Cytogenetic location: 8q13.3.
Variant type: single nucleotide variant.
Coding change: c.1103A>G on transcript NM_000503.6 (MANE Select); coding-DNA position 1103, A replaced by G.
Protein change: p.Asn368Ser; replaces asparagine 368 with serine.
Molecular consequence: missense variant. On other transcripts: intron variant (2).
Genome position (GRCh38, 1-based): chr8:71,244,640, T>C on the plus strand (A>G on the coding strand, the complement: EYA1 is on the minus strand). VCF-style: chr8-71244640-T-C. GRCh37 (hg19) VCF-style: chr8-72156875-T-C.
Other names: c.1085A>G, p.Asn362Ser (NM_001288574.2); c.737A>G, p.Asn246Ser (NM_001288575.2); c.1190A>G, p.Asn397Ser (NM_001370333.1); c.1103A>G, p.Asn368Ser (NM_001370334.1, NM_001370335.1, NM_172058.4); c.1004A>G, p.Asn335Ser (NM_001411797.1, NM_172060.4); c.1119+25100A>G (NM_001370336.1); c.1122+25100A>G (NM_172059.5); short protein forms N246S, N335S, N362S, N368S, N397S.
Identifiers: ClinVar variation 3731344 (VCV003731344.1).

ClinVar aggregate classification (germline): Uncertain significance (1 of 4 stars; one submission).

Conditions:
Branchiootorenal syndrome 1. Also called: Branchio-Oto-Renal Syndrome 1. Identifiers: Orphanet 107, MedGen C4551702, MONDO:0007236, OMIM 113650.

gnomAD v4.1: 4 of 1,610,298 alleles (0.00025%); highest among the groups gnomAD compares: South Asian, 0.0033%; no homozygotes.

Submission:

Neuberg Centre For Genomic Medicine, NCGM
Classification: Uncertain significance for Branchiootorenal syndrome 1. Review status: criteria provided, single submitter. Criteria: ACMG Guidelines, 2015. Collection method: clinical testing. Allele origin: germline. Inheritance: Autosomal dominant inheritance. Affected: yes.
Comment: The observed missense variant c.1103A>G(p.Asn368Ser) in the EYA1 gene has not been reported previously as a pathogenic variant nor as a benign variant, to our knowledge. This variant is reported with the allele frequency 0.0004% in the gnomAD Exomes. The amino acid Asn at position 368 is changed to a Ser changing protein sequence and it might alter its composition and physico-chemical properties. Multiple lines of computational evidence (Polyphen - Damaging and MutationTaster - Disease causing) predict a damaging effect on protein structure and function for this variant. The residue is conserved by GERP++ and PhyloP across 100 vertebrates. For these reasons, this variant has been classified as Uncertain Significance.